The following is an entry in ClinVar:

ClinVar aggregate classification (germline): Pathogenic (1 of 4 stars; one submission).

Submission:

GeneDx
Classification: Pathogenic. Last evaluated: 2023-06-01. Review status: criteria provided, single submitter. Criteria: GeneDx Variant Classification Process June 2021. Collection method: clinical testing. Allele origin: germline. Affected: yes.
Comment: Reported in a patient with Kabuki syndrome in published literature (Bogershausen et al., 2016); Frameshift variant predicted to result in protein truncation or nonsense mediated decay in a gene for which loss of function is a known mechanism of disease; Not observed at significant frequency in large population cohorts (gnomAD); This variant is associated with the following publications: (PMID: 27302555)

NM_003482.4(KMT2D):c.8903dup (p.Ser2969fs)

Gene: KMT2D (lysine methyltransferase 2D; minus strand). Cytogenetic location: 12q13.12.
Variant type: Duplication.
Coding change: c.8903dup on transcript NM_003482.4 (MANE Select); coding-DNA position 8903, one base duplicated (C; older notation c.8903dupC).
Protein change: p.Ser2969fs; shifts the reading frame from serine 2969.
Molecular consequence: frameshift variant.
Genome position (GRCh38, 1-based): chr12:49,038,453, G duplicated on the plus strand (C on the coding strand, the reverse complement: KMT2D is on the minus strand); the first of 5 consecutive G bases (chr12:49,038,453-49,038,457); duplicating any one gives the same sequence. VCF-style (leftmost placement, unchanged base first): chr12-49038452-C-CG. GRCh37 (hg19) VCF-style: chr12-49432235-C-CG.
Other names: c.8903dup (NM_003482.3); short protein forms S2969fs.
Identifiers: ClinVar variation 3340396 (VCV003340396.1).